The following is an entry in ClinVar:

NM_032043.3(BRIP1):c.2220G>T (p.Gln740His)

Gene: BRIP1 (BRCA1 interacting DNA helicase 1; minus strand). Cytogenetic location: 17q23.2.
Variant type: single nucleotide variant.
Coding change: c.2220G>T on transcript NM_032043.3 (MANE Select); coding-DNA position 2220, G replaced by T.
Protein change: p.Gln740His; replaces glutamine 740 with histidine.
Molecular consequence: missense variant.
Genome position (GRCh38, 1-based): chr17:61,744,469, C>A on the plus strand (G>T on the coding strand, the complement: BRIP1 is on the minus strand). VCF-style: chr17-61744469-C-A. GRCh37 (hg19) VCF-style: chr17-59821830-C-A.
Other names: p.Q740H:CAG>CAT; short protein forms Q740H.
Identifiers: ClinVar variation 133752 (VCV000133752.101), dbSNP rs45589637, ClinGen allele CA157692.
Genomic context (GRCh38, chr17:61,744,469, plus strand): 5'-ACCATGAAATAATTTCCAGTTACCTTTCTCTCCTTTGTATTTGATTGCGTCATAGTACAC[C>A]TGCAGTAATTCATCAAAATTTGTTTTTTCTCCTCCCTGTGGTTCTACAATGACTGTCTTC-3'
Protein context (NP_114432.2, residues 730-750): GEKTNFDELL[Gln740His]VYYDAIKYKG

ClinVar aggregate classification (germline): Conflicting classifications of pathogenicity. Review status: criteria provided, conflicting classifications (1 of 4 stars). 31 submissions from 30 submitters: Uncertain significance (11); Likely benign (14). 6 of the submissions do not count toward it. Last evaluated 2026-08-05.

Conditions:
BRIP1-related disorder. Also called: BRIP1-related condition; BRIP1-related disorders. Identifiers: MedGen CN239206.
Breast and/or ovarian cancer. Identifiers: MedGen CN221562.
Hereditary cancer. Identifiers: MedGen C1333600.
Hereditary cancer-predisposing syndrome. Also called: Tumor predisposition; Hereditary neoplastic syndrome; Neoplastic Syndromes, Hereditary; Hereditary Cancer Syndrome. Identifiers: Orphanet 140162, MedGen C0027672, MeSH D009386, MONDO:0015356.
Familial cancer of breast. Also called: Hereditary breast cancer; hereditary breast carcinoma; BREAST CANCER, FAMILIAL. Identifiers: Orphanet 227535, MedGen C0346153, MONDO:0016419, OMIM 114480. Disease mechanism: loss of function.
Fanconi anemia complementation group J. Also called: BRIP1-Related Fanconi Anemia. Identifiers: Orphanet 84, MedGen C1836860, MONDO:0012187, OMIM 609054.
Ovarian cancer. Also called: OVARIAN CANCER, SOMATIC. Identifiers: Orphanet 213500, MedGen C1140680, MONDO:0008170, OMIM 167000.
Malignant tumor of breast. Also called: Malignant breast neoplasm; Cancer breast. Identifiers: MedGen C0006142, MONDO:0007254. Disease mechanism: loss of function.

Allele frequency attached by ClinVar (database versions not stated): gnomAD 0.00041; ESP Exome Variant Server 0.00062; TOPMed 0.00068.
gnomAD v4.1: 928 of 1,613,890 alleles (0.058%); highest among the groups gnomAD compares: Admixed American, 0.14%; no homozygotes.

Submissions 1 to 21 of 31:

Catlab - Consorci Sanitari de Terrassa
Classification: Uncertain significance for Hereditary cancer-predisposing syndrome. Last evaluated: 2026-08-05. Review status: criteria provided, single submitter. Criteria: ACMG Guidelines, 2015. Collection method: clinical testing. Allele origin: germline.
Comment: Based on the currently available information, this variant is classified as Uncertain Significance according to Richards 2015 guidelines. ACMG criteria: BS3_supp.

CeGaT Center for Human Genetics Tuebingen
Classification: Likely benign. Last evaluated: 2026-06-01. Review status: criteria provided, single submitter. Criteria: CeGaT Center For Human Genetics Tuebingen Variant Classification Criteria Version 2. Collection method: clinical testing. Allele origin: germline. Affected: yes. Observed: 11 variant alleles.
Comment: BRIP1: BP4, BS1

Labcorp Genetics (formerly Invitae), Labcorp
Classification: Likely benign for Familial cancer of breast; Fanconi anemia complementation group J. Last evaluated: 2026-02-03. Review status: criteria provided, single submitter. Criteria: Invitae Variant Classification Sherloc (09022015). Collection method: clinical testing. Allele origin: germline.

Dasa
Classification: Likely benign. Last evaluated: 2025-11-30. Review status: criteria provided, single submitter. Criteria: DASA Assertion Criteria. Collection method: clinical testing. Allele origin: germline.
Comment: NM_032043.3(BRIP1):c.2220G>T (p.Gln740His) is a missense variant that results in the substitution of glutamine with histidine. Population frequency is inconsistent with a disease-causing role for this variant. Therefore, based on the currently available evidence, this variant is classified as likely benign.

Quest Diagnostics Nichols Institute San Juan Capistrano
Classification: Likely benign. Last evaluated: 2025-08-29. Review status: criteria provided, single submitter. Criteria: Quest Diagnostics criteria. Collection method: clinical testing. Allele origin: unknown.

Laboratorio de I+D, Fundación Centro Médico de Asturias
Classification: Likely benign for Hereditary cancer-predisposing syndrome. Last evaluated: 2025-07-09. Review status: criteria provided, single submitter. Criteria: ACMG Guidelines, 2015. Collection method: clinical testing. Allele origin: germline. Affected: yes.
Comment: BP4_Moderate+BS3_Supporting+BP1+PM2_Supporting

Molecular Diagnostics Laboratory, Catalan Institute of Oncology
Classification: Uncertain significance for Hereditary cancer-predisposing syndrome. Last evaluated: 2025-04-01. Review status: criteria provided, single submitter. Criteria: ACMG Guidelines, 2015. Collection method: clinical testing. Allele origin: germline.
Comment: BS3_Supporting c.2220G>T, located in exon 15 of the BRIP1 gene, is predicted to result in the substitution of glutamine by histidine at codon 740, p.(Gln740His). This variant is found in 139/268134 alleles at a frequency of 0.0518% in the gnomAD v2.1.1 database, non-cancer dataset. The SpliceAI algorithm predicts no significant impact on splicing and the REVEL meta-predictor score (0.429) for this variant is indeterminate regarding the effect that it may have on protein function according Pejaver 2022 thresholds (PMID: 36413997). In a functional experiment consisting in transient rescue assay using MMC and puromycin, c.2220G>T variant showed a protein half-live and a clone growth after treatmnet similar to wt control (PMID: 31822495) (BS3_Supporting). A case-control study showed that this variant was not associated with breast cancer (OR=0.638, P=0.49) (PMID: 23555315), but there are no studies on its association with ovarian cancer. In addition, the variant has been reported in the ClinVar database (12x likely benign, 14x uncertain significance) and in the LOVD database (1x benign, 5x likely benign, 2x uncertain significance). Based on the currently available information, c.2220G>T is classified as an uncertain significance variant according to ACMG guidelines.

Center for Genomic Medicine, Rigshospitalet, Copenhagen University Hospital
Classification: Uncertain significance. Last evaluated: 2025-03-04. Review status: criteria provided, single submitter. Criteria: ACMG Guidelines, 2015. Collection method: clinical testing. Allele origin: germline.

Blueprint Genetics
Classification: Likely benign. Last evaluated: 2024-11-20. Review status: criteria provided, single submitter. Criteria: ACMG Guidelines, 2015. Collection method: clinical testing. Allele origin: germline.

Mendelics
Classification: Likely benign for Hereditary cancer. Last evaluated: 2024-01-23. Review status: criteria provided, single submitter. Criteria: ACMG Guidelines, 2015. Collection method: clinical testing. Allele origin: unknown.

Myriad Genetics, Inc.
Classification: Uncertain significance for Familial cancer of breast. Last evaluated: 2023-03-02. Review status: criteria provided, single submitter. Criteria: Myriad Autosomal Dominant, Autosomal Recessive and X-Linked Classification Criteria (2023). Collection method: clinical testing. Allele origin: unknown.
Comment: This variant is classified as a variant of uncertain significance as there is insufficient evidence to determine its impact on protein function and/or cancer risk.

CHEO Genetics Diagnostic Laboratory, Children's Hospital of Eastern Ontario
Classification: Likely benign for Breast and/or ovarian cancer. Last evaluated: 2022-11-02. Review status: criteria provided, single submitter. Criteria: ACMG Guidelines, 2015. Collection method: clinical testing. Allele origin: germline.

Institute for Clinical Genetics, University Hospital TU Dresden, University Hospital TU Dresden
Classification: Uncertain significance. Last evaluated: 2021-11-03. Review status: criteria provided, single submitter. Criteria: ACMG Guidelines, 2015. Collection method: clinical testing. Allele origin: germline.

Laboratorio de Genetica e Diagnostico Molecular, Hospital Israelita Albert Einstein
Classification: Uncertain significance for Familial cancer of breast. Last evaluated: 2021-06-15. Review status: criteria provided, single submitter. Criteria: ACMG Guidelines, 2015. Collection method: clinical testing. Allele origin: germline. Affected: yes.
Comment: ACMG classification criteria: BS1 strong

Sema4
Classification: Likely benign for Hereditary cancer-predisposing syndrome. Last evaluated: 2021-04-11. Review status: criteria provided, single submitter. Criteria: Sema4 Curation Guidelines. Collection method: curation. Allele origin: germline.

Baylor Genetics
Classification: Uncertain significance for Fanconi anemia complementation group J. Last evaluated: 2021-02-09. Review status: criteria provided, single submitter. Criteria: ACMG Guidelines, 2015. Collection method: clinical testing. Allele origin: unknown. Affected: yes. Study: CSER-TexasKidsCanSeq.
Comment: This variant was determined to be of uncertain significance according to ACMG Guidelines, 2015 [PMID:25741868].

Ambry Genetics
Classification: Likely benign for Hereditary cancer-predisposing syndrome. Last evaluated: 2020-12-15. Review status: criteria provided, single submitter. Criteria: Ambry Variant Classification Scheme 2023. Collection method: clinical testing. Allele origin: germline.

Color Diagnostics, LLC DBA Color Health
Classification: Likely benign for Hereditary cancer-predisposing syndrome. Last evaluated: 2020-11-20. Review status: criteria provided, single submitter. Criteria: ACMG Guidelines, 2015. Collection method: clinical testing. Allele origin: germline.

ARUP Laboratories, Molecular Genetics and Genomics, ARUP Laboratories
Classification: Likely benign. Last evaluated: 2020-10-08. Review status: criteria provided, single submitter. Criteria: ARUP Molecular Germline Variant Investigation Process 2021. Collection method: clinical testing. Allele origin: germline.

GeneDx
Classification: Likely benign. Last evaluated: 2020-07-28. Review status: criteria provided, single submitter. Criteria: GeneDx Variant Classification Process June 2021. Collection method: clinical testing. Allele origin: germline. Affected: yes.
Comment: This variant is associated with the following publications: (PMID: 28202063, 31159747, 25980754, 24728327, 26534844, 27547810, 26315354, 28528518, 26921362, 27978560, 28678401, 28767289, 31822495, 32039725, 31658756, 33115781)

Centre for Mendelian Genomics, University Medical Centre Ljubljana
Classification: Uncertain significance for Fanconi anemia complementation group J. Last evaluated: 2019-03-18. Review status: criteria provided, single submitter. Criteria: ACMG Guidelines, 2015. Collection method: clinical testing. Allele origin: unknown. Affected: yes.
Comment: This variant was classified as: Uncertain significance. The available evidence on this variant's pathogenicity is insufficient or conflicting. The following ACMG criteria were applied in classifying this variant: PP3,BP1.